The following is an entry in ClinVar:

ClinVar aggregate classification (somatic clinical impact): Tier I - Strong (1 of 4 stars; one submission).

Conditions:
Medulloblastoma WNT activated. Identifiers: MedGen C4331965, MONDO:0850196.

Submission:

Institute for Genomic Medicine (IGM) Clinical Laboratory, Nationwide Children's Hospital
Classification: Tier I - Strong for Medulloblastoma WNT activated. Assertion type: diagnostic. Clinical significance: supports diagnosis. Last evaluated: 2025-06-12. Review status: criteria provided, single submitter. Criteria: AMP/ASCO/CAP Guidelines, 2017. Collection method: clinical testing. Allele origin: somatic. Affected: yes.
Comment: Variant has Tier I (strong) clinical significance as a diagnostic inclusion criterion in medulloblastoma WNT activated, based on the following evidence: 1) Documented in one or more cancer databases (e.g., St. Jude Pecan, COSMIC, CIViC, OncoKB). 2) Information in the literature supports potential biologic effect of variant (PMIDs: 32135084, 33627125, 38057330, 22820256). 3) Diagnostic for a specific tumor type/classification based on well-powered studies with expert-level consensus (Evidence Level B; PMIDs: 22722829, 22820256, 22832583, 28726821).

Literature cited by the submitters: PubMed 32135084; PubMed 33627125; PubMed 38057330; PubMed 22820256; PubMed 22722829; PubMed 22832583; PubMed 28726821.

NM_001356.5(DDX3X):c.1423C>A (p.Arg475Ser)

Gene: DDX3X (DEAD-box helicase 3 X-linked; plus strand). Cytogenetic location: Xp11.4.
Variant type: single nucleotide variant.
Coding change: c.1423C>A on transcript NM_001356.5 (MANE Select); coding-DNA position 1423, C replaced by A.
Protein change: p.Arg475Ser; replaces arginine 475 with serine.
Molecular consequence: missense variant. On other transcripts: non-coding transcript variant (1).
Genome position (GRCh38, 1-based): chrX:41,346,336, C>A. VCF-style: chrX-41346336-C-A. GRCh37 (hg19) VCF-style: chrX-41205589-C-A.
Other names: c.1423C>A, p.Arg475Ser (NM_001193416.3); c.1375C>A, p.Arg459Ser (NM_001193417.3); c.865C>A, p.Arg289Ser (NM_001363819.1); short protein forms R289S, R459S, R475S.
Identifiers: ClinVar variation 4530085 (VCV004530085.1).